The following is an entry in ClinVar:

NM_003803.4(MYOM1):c.3041T>C (p.Met1014Thr)

Gene: MYOM1 (myomesin 1; minus strand). Cytogenetic location: 18p11.31.
Variant type: single nucleotide variant.
Coding change: c.3041T>C on transcript NM_003803.4 (MANE Select); coding-DNA position 3041, T replaced by C.
Protein change: p.Met1014Thr; replaces methionine 1014 with threonine.
Molecular consequence: missense variant.
Genome position (GRCh38, 1-based): chr18:3,119,946, A>G on the plus strand (T>C on the coding strand, the complement: MYOM1 is on the minus strand). VCF-style: chr18-3119946-A-G. GRCh37 (hg19) VCF-style: chr18-3119944-A-G.
Other names: c.2753T>C, p.Met918Thr (NM_019856.2); short protein forms M1014T, M918T.
Identifiers: ClinVar variation 2062388 (VCV002062388.4), dbSNP rs1429348821, ClinGen allele CA401707104.

ClinVar aggregate classification (germline): Uncertain significance (1 of 4 stars; one submission).

Conditions:
Hypertrophic cardiomyopathy. Also called: HYPERTROPHIC MYOCARDIOPATHY. Identifiers: Orphanet 217569, MedGen C0007194, MeSH D002312, MONDO:0005045, HP:0001639.

Allele frequency attached by ClinVar (database versions not stated): TOPMed below 0.00001; gnomAD exomes 0.00001; gnomAD 0.00001.

Submission:

Labcorp Genetics (formerly Invitae), Labcorp
Classification: Uncertain significance for Hypertrophic cardiomyopathy. Last evaluated: 2021-12-23. Review status: criteria provided, single submitter. Criteria: Invitae Variant Classification Sherloc (09022015). Collection method: clinical testing. Allele origin: germline.
Comment: Algorithms developed to predict the effect of missense changes on protein structure and function (SIFT, PolyPhen-2, Align-GVGD) all suggest that this variant is likely to be tolerated. In summary, the available evidence is currently insufficient to determine the role of this variant in disease. Therefore, it has been classified as a Variant of Uncertain Significance. This variant has not been reported in the literature in individuals affected with MYOM1-related conditions. This sequence change replaces methionine, which is neutral and non-polar, with threonine, which is neutral and polar, at codon 1014 of the MYOM1 protein (p.Met1014Thr). This variant is present in population databases (no rsID available, gnomAD 0.006%).